The following is an entry in ClinVar:

NM_014285.7(EXOSC2):c.873G>A (p.Gln291=)

Gene: EXOSC2 (exosome component 2; plus strand). Cytogenetic location: 9q34.12.
Variant type: single nucleotide variant.
Coding change: c.873G>A on transcript NM_014285.7 (MANE Select); coding-DNA position 873, G replaced by A.
Protein change: p.Gln291=; no amino-acid change (glutamine 291 retained).
Molecular consequence: synonymous variant. On other transcripts: non-coding transcript variant (1).
Genome position (GRCh38, 1-based): chr9:130,703,765, G>A. VCF-style: chr9-130703765-G-A. GRCh37 (hg19) VCF-style: chr9-133579152-G-A.
Other names: c.873G>A (NM_014285.6); c.795G>A, p.Gln265= (NM_001282708.1); c.783G>A, p.Gln261= (NM_001282709.1).
Identifiers: ClinVar variation 1170769 (VCV001170769.12), dbSNP rs34680820, ClinGen allele CA5285012.
Genomic context (GRCh38, chr9:130,703,765, plus strand): 5'-CTTAAAGCCAGAAATAATGGAGGAGATTGTGATGGAAACACGCCAGAGGCTTTTGGAACA[G>A]GAGGGATAAGGAGGTGCTCCAGAAGCACGGGACTGTGGACCTTGCAGGAGTGAAGACTGT-3'
Protein context (NP_055100.2, residues 281-293): VMETRQRLLE[Gln291=]EG

ClinVar aggregate classification (germline): Benign. Review status: criteria provided, multiple submitters, no conflicts (2 of 4 stars). 3 submissions from 3 submitters: Benign (2). 1 of the submissions does not count toward it. Last evaluated 2026-02-02.

Conditions:
EXOSC2-related disorder. Also called: EXOSC2-related condition.

Allele frequency attached by ClinVar (database versions not stated): gnomAD exomes 0.01515 and 0.02189; ExAC 0.01612; ESP Exome Variant Server 0.01953; 1000 Genomes Project 30x 0.00359; 1000 Genomes Project 0.00439; TOPMed 0.01458.
gnomAD v4.1: 34,080 of 1,613,062 alleles (2.1%); highest among the groups gnomAD compares: Non-Finnish European, 2.6%; 455 homozygotes.

Submissions (3):

Labcorp Genetics (formerly Invitae), Labcorp
Classification: Benign. Last evaluated: 2026-02-02. Review status: criteria provided, single submitter. Criteria: Invitae Variant Classification Sherloc (09022015). Collection method: clinical testing. Allele origin: germline.

Breakthrough Genomics
Classification: Benign. Review status: criteria provided, single submitter. Criteria: ACMG Guidelines, 2015. Collection method: not provided. Allele origin: germline. Inheritance: Autosomal recessive inheritance. Affected: yes.

PreventionGenetics, part of Exact Sciences
Classification: Benign for EXOSC2-related condition. Last evaluated: 2020-01-20. Review status: no assertion criteria provided. Collection method: clinical testing. Allele origin: germline. Not counted in ClinVar's aggregate classification.
Comment: This variant is classified as benign based on ACMG/AMP sequence variant interpretation guidelines (Richards et al. 2015 PMID: 25741868, with internal and published modifications).